The following is an entry in ClinVar:

ClinVar aggregate classification (germline): Benign (1 of 4 stars; one submission).

Conditions:
Familial adenomatous polyposis 1 (FAP1). Also called: POLYPOSIS, ADENOMATOUS INTESTINAL; FAMILIAL ADENOMATOUS POLYPOSIS 1, ATTENUATED. Identifiers: MedGen C2713442, MONDO:0021056, OMIM 175100. Disease mechanism: loss of function.

Allele frequency attached by ClinVar (database versions not stated): ExAC 0.00001; gnomAD exomes 0.00001.
gnomAD v4.1: 6 of 1,614,190 alleles (0.00037%); highest among the groups gnomAD compares: South Asian, 0.0066%; no homozygotes.

Submission:

Myriad Genetics, Inc.
Classification: Benign for Familial adenomatous polyposis 1. Last evaluated: 2024-03-15. Review status: criteria provided, single submitter. Criteria: Myriad Autosomal Dominant, Autosomal Recessive and X-Linked Classification Criteria (2023). Collection method: clinical testing. Allele origin: unknown.
Comment: This variant is considered benign. This variant is a silent/synonymous amino acid change and it is not expected to impact splicing.

NM_000038.6(APC):c.3012A>T (p.Leu1004=)

Gene: APC (APC regulator of Wnt signaling pathway; plus strand). Cytogenetic location: 5q22.2.
Variant type: single nucleotide variant.
Coding change: c.3012A>T on transcript NM_000038.6 (MANE Select); coding-DNA position 3012, A replaced by T.
Protein change: p.Leu1004=; no amino-acid change (leucine 1004 retained).
Molecular consequence: synonymous variant. On other transcripts: non-coding transcript variant (2).
Genome position (GRCh38, 1-based): chr5:112,838,606, A>T. VCF-style: chr5-112838606-A-T. GRCh37 (hg19) VCF-style: chr5-112174303-A-T.
Other names: c.3012A>T, p.Leu1004= (NM_001127510.3, NM_001354895.2, NM_001407450.1); c.2958A>T, p.Leu986= (NM_001127511.3); c.3066A>T, p.Leu1022= (NM_001354896.2, NM_001407447.1, NM_001407448.1 and 1 more transcripts); c.3042A>T, p.Leu1014= (NM_001354897.2); c.2937A>T, p.Leu979= (NM_001354898.2); c.2928A>T, p.Leu976= (NM_001354899.2); c.2889A>T, p.Leu963= (NM_001354900.2); c.2835A>T, p.Leu945= (NM_001354901.2, NM_001407453.1); and 11 more.
Identifiers: ClinVar variation 3148306 (VCV003148306.1), dbSNP rs767851390, ClinGen allele CA034282.